The following is an entry in ClinVar:

NM_001352514.2(HLCS):c.1621-12T>C

Gene: HLCS (holocarboxylase synthetase; minus strand). Cytogenetic location: 21q22.13.
Variant type: single nucleotide variant.
Coding change: c.1621-12T>C on transcript NM_001352514.2 (MANE Select); 12 bases into the intron before coding-DNA position 1621, T replaced by C.
Molecular consequence: intron variant.
Genome position (GRCh38, 1-based): chr21:36,897,143, A>G on the plus strand (T>C on the coding strand, the complement: HLCS is on the minus strand). VCF-style: chr21-36897143-A-G. GRCh37 (hg19) VCF-style: chr21-38269443-A-G.
Other names: c.1180-12T>C (NM_001352517.1, NM_001242785.2, NM_001352515.2 and 4 more transcripts).
Identifiers: ClinVar variation 339964 (VCV000339964.15), dbSNP rs367728041, ClinGen allele CA10020504.

ClinVar aggregate classification (germline): Conflicting classifications of pathogenicity. Review status: criteria provided, conflicting classifications (1 of 4 stars). 4 submissions from 4 submitters: Uncertain significance (1); Benign (1); Likely benign (2). Last evaluated 2026-01-28.

Conditions:
Holocarboxylase synthetase deficiency. Also called: MULTIPLE CARBOXYLASE DEFICIENCY, EARLY ONSET. Identifiers: Orphanet 79242, MedGen C0268581, MONDO:0009666, OMIM 253270.

Allele frequency attached by ClinVar (database versions not stated): ESP Exome Variant Server 0.00008; TOPMed 0.00019; gnomAD 0.00030 and 0.00032; gnomAD exomes 0.00035 and 0.00047; ExAC 0.00066.
gnomAD v4.1: 572 of 1,612,204 alleles (0.035%); highest among the groups gnomAD compares: Non-Finnish European, 0.036%; no homozygotes.

Submissions (4):

Labcorp Genetics (formerly Invitae), Labcorp
Classification: Benign for Holocarboxylase synthetase deficiency. Last evaluated: 2026-01-28. Review status: criteria provided, single submitter. Criteria: Invitae Variant Classification Sherloc (09022015). Collection method: clinical testing. Allele origin: germline.

Blueprint Genetics
Classification: Likely benign. Last evaluated: 2024-10-18. Review status: criteria provided, single submitter. Criteria: ACMG Guidelines, 2015. Collection method: clinical testing. Allele origin: germline.

Illumina Laboratory Services, Illumina
Classification: Uncertain significance for Holocarboxylase synthetase deficiency. Last evaluated: 2018-01-13. Review status: criteria provided, single submitter. Criteria: ICSL Variant Classification Criteria 13 December 2019. Collection method: clinical testing. Allele origin: germline.

GeneDx
Classification: Likely benign. Last evaluated: 2017-12-18. Review status: criteria provided, single submitter. Criteria: GeneDx Variant Classification (06012015). Collection method: clinical testing. Allele origin: germline. Affected: yes.
Comment: This variant is considered likely benign or benign based on one or more of the following criteria: it is a conservative change, it occurs at a poorly conserved position in the protein, it is predicted to be benign by multiple in silico algorithms, and/or has population frequency not consistent with disease.